The following continues an entry in ClinVar:

NM_000492.4(CFTR):c.349C>G (p.Arg117Gly)

Gene: CFTR. ClinVar aggregate classification (germline): Pathogenic/Likely pathogenic. Pathogenic (5); Likely pathogenic (8).

Submissions 7 to 14 of 14:

Baylor Genetics
Classification: Likely pathogenic for Bronchiectasis with or without elevated sweat chloride 1. Last evaluated: 2024-02-15. Review status: criteria provided, single submitter. Criteria: ACMG Guidelines, 2015. Collection method: clinical testing. Allele origin: unknown.

Department of Pathology and Laboratory Medicine, Sinai Health System
Classification: Pathogenic for Congenital bilateral aplasia of vas deferens from CFTR mutation; Cystic fibrosis; Bronchiectasis with or without elevated sweat chloride 1. Last evaluated: 2023-07-17. Review status: criteria provided, single submitter. Criteria: ACMG Guidelines, 2015. Collection method: research. Allele origin: germline.

Blueprint Genetics
Classification: Likely pathogenic for CFTR-related disorders. Last evaluated: 2023-03-24. Review status: criteria provided, single submitter. Criteria: ACMG Guidelines, 2015. Collection method: clinical testing. Allele origin: germline. Affected: yes. Observed: 4 variant alleles.

Genome-Nilou Lab
Classification: Likely pathogenic for Cystic fibrosis. Last evaluated: 2021-07-22. Review status: criteria provided, single submitter. Criteria: ACMG Guidelines, 2015. Collection method: clinical testing. Allele origin: germline. Affected: no.

CFTR-France
Classification: Pathogenic for CFTR-related disorders. Last evaluated: 2021-01-18. Review status: criteria provided, single submitter. Criteria: Claustres M et al. (Hum Mutat 2017). Collection method: curation. Allele origin: germline. Affected: yes.

Johns Hopkins Genomics, Johns Hopkins University
Classification: Likely pathogenic for Cystic fibrosis. Last evaluated: 2019-08-17. Review status: criteria provided, single submitter. Criteria: ACMG Guidelines, 2015. Collection method: clinical testing. Allele origin: germline.
Comment: Previously reported disease-causing CFTR variant associated with varying clinical consequences. See CFTR2 for phenotype information.

ARUP Laboratories, Molecular Genetics and Genomics, ARUP Laboratories
Classification: Pathogenic. Last evaluated: 2019-08-10. Review status: criteria provided, single submitter. Criteria: ARUP Molecular Germline Variant Investigation Process. Collection method: clinical testing. Allele origin: germline.
Comment: The CFTR c.349C>G; p.Arg117Gly variant (rs77834169) has been described in individuals with cystic fibrosis (CF) when found in trans to another CF-causing variant, but has also been described in association with other CFTR-related disorders such as congenital bilateral absence of vas deferens or pancreatitis in individuals that do not have CF (see link to CFTR2 database, Daudin 2000, Masson 2013). This variant is reported in ClinVar (Variation ID: 53762) and is found in the general population with an overall allele frequency of 0.002% (6/282344 alleles) in the Genome Aggregation Database. The arginine at residue 117 is highly conserved, and computational analyses predict that this variant is deleterious (REVEL: 0.773). Due to this variant having a variable presentation in affected individuals, it is considered to be pathogenic with varying clinical consequences. References: CFTR2 database: Daudin M et al. Congenital bilateral absence of the vas deferens: clinical characteristics, biological parameters, cystic fibrosis transmembrane conductance regulator gene mutations, and implications for genetic counseling. 2000;Fertil Steril. 74(6):1164-74. Masson E et al. A conservative assessment of the major genetic causes of idiopathic chronic pancreatitis: data from a comprehensive analysis of PRSS1, SPINK1, CTRC and CFTR genes in 253 young French patients. 2013;PLoS One. 8(8):e73522.

Counsyl
Classification: Uncertain significance for Cystic fibrosis. Last evaluated: 2017-11-08. Review status: no assertion criteria provided. Collection method: clinical testing. Allele origin: unknown. Not counted in ClinVar's aggregate classification.

Literature cited by the submitters: PubMed 11119745 (cited by 4 submitters); PubMed 29805046 (cited by 4 submitters); PubMed 29944384 (cited by 4 submitters); PubMed 30888834 (cited by 4 submitters); PubMed 7525450 (cited by Labcorp Genetics (formerly Invitae), Labcorp); PubMed 7529962 (cited by Labcorp Genetics (formerly Invitae), Labcorp); PubMed 11788090 (cited by Labcorp Genetics (formerly Invitae), Labcorp); PubMed 15482777 (cited by Labcorp Genetics (formerly Invitae), Labcorp); PubMed 21520337 (cited by Labcorp Genetics (formerly Invitae), Labcorp); PubMed 21783433 (cited by Labcorp Genetics (formerly Invitae), Labcorp); PubMed 22658665 (cited by Labcorp Genetics (formerly Invitae), Labcorp); PubMed 23974870 (cited by Labcorp Genetics (formerly Invitae), Labcorp and Ambry Genetics); PubMed 24586523 (cited by Labcorp Genetics (formerly Invitae), Labcorp); PubMed 38388235 (cited by 3 submitters); PubMed 10923036 (cited by Ambry Genetics and Quest Diagnostics Nichols Institute San Juan Capistrano); PubMed 18687795 (cited by Ambry Genetics and Quest Diagnostics Nichols Institute San Juan Capistrano); PubMed 22504961 (cited by Ambry Genetics); PubMed 23951356 (cited by 3 submitters); PubMed 26277102 (cited by Ambry Genetics and Quest Diagnostics Nichols Institute San Juan Capistrano); PubMed 28340353 (cited by Ambry Genetics); PubMed 20706124 (cited by Women's Health and Genetics/Laboratory Corporation of America, LabCorp and Quest Diagnostics Nichols Institute San Juan Capistrano); PubMed 33922413 (cited by Women's Health and Genetics/Laboratory Corporation of America, LabCorp and Quest Diagnostics Nichols Institute San Juan Capistrano); PubMed 37313453 (cited by Quest Diagnostics Nichols Institute San Juan Capistrano); PubMed 36409994 (cited by Quest Diagnostics Nichols Institute San Juan Capistrano); PubMed 34583889 (cited by Quest Diagnostics Nichols Institute San Juan Capistrano); PubMed 34996830 (cited by Quest Diagnostics Nichols Institute San Juan Capistrano).